The following is an entry in ClinVar:

NM_000187.4(HGD):c.832A>G (p.Asn278Asp)

Gene: HGD (homogentisate 1,2-dioxygenase; minus strand). Cytogenetic location: 3q13.33.
Variant type: single nucleotide variant.
Coding change: c.832A>G on transcript NM_000187.4 (MANE Select); coding-DNA position 832, A replaced by G.
Protein change: p.Asn278Asp; replaces asparagine 278 with aspartic acid.
Molecular consequence: missense variant.
Genome position (GRCh38, 1-based): chr3:120,641,636, T>C on the plus strand (A>G on the coding strand, the complement: HGD is on the minus strand). VCF-style: chr3-120641636-T-C. GRCh37 (hg19) VCF-style: chr3-120360483-T-C.
Other names: NC_000003.11:g.120360483T>C; short protein forms N278D.
Identifiers: ClinVar variation 2627722 (VCV002627722.2), dbSNP rs370920635, ClinGen allele CA2560051.
Genomic context (GRCh38, chr3:120,641,636, plus strand): 5'-GGTTCAGACTTACTGCATGGTCAAAGGCCACTGAGTTGATAACCATGAAATTCTTCAGGT[T>C]GTACTTGTAGGGTGTATAATTCCCGTGCCAGGCCACAACATTGAACGGGGAGACATCCTA-3'
Protein context (NP_000178.2, residues 268-288): WHGNYTPYKY[Asn278Asp]LKNFMVINSV

ClinVar aggregate classification (germline): Likely pathogenic (0 of 4 stars; one submission).

Conditions:
Alkaptonuria (AKU). Also called: HOMOGENTISIC ACID OXIDASE DEFICIENCY; Alcaptonuria; Homogentisic acidura; Alkaptonuric ochronosis. Identifiers: Orphanet 56, MedGen C0002066, MONDO:0008753, OMIM 203500.

Allele frequency attached by ClinVar (database versions not stated): gnomAD exomes 0.00003; TOPMed 0.00004; gnomAD 0.00006; ExAC 0.00007; ESP Exome Variant Server 0.00008.
gnomAD v4.1: 48 of 1,613,948 alleles (0.003%); highest among the groups gnomAD compares: Non-Finnish European, 0.0039%; no homozygotes.

Submissions (2):

Department Of Human Genetics, Institute Of Clinical And Translational Research, Biomedical Research Center, Slovak Academy Of Sciences
Classification: Likely pathogenic for Alkaptonuria. Review status: no assertion criteria provided. Collection method: research. Allele origin: germline. Inheritance: Autosomal recessive inheritance. Observed: 2 variant alleles.
Comment: The variant was originally found on one chromosome in a control individual. It has been submitted to the HGD gene mutation database as polymorphism (DB-ID: AKU_00079), however, predictions using HGDiscovery indicate protomer destabilization, thus, it is most likely pathogenicity.

Dr. Peter K. Rogan Lab, Western University
No classification provided (evidence only). Condition: Colon adenocarcinoma. Review status: no classification provided. Collection method: in vitro. Allele origin: not applicable. Functional consequence: retained intron. Not counted in ClinVar's aggregate classification.